The following is an entry in ClinVar:

NM_001166108.2(PALLD):c.1965-12762C>G

Gene: PALLD (palladin, cytoskeletal associated protein; plus strand). Cytogenetic location: 4q32.3.
Variant type: single nucleotide variant.
Coding change: c.1965-12762C>G on transcript NM_001166108.2 (MANE Select); 12762 bases into the intron before coding-DNA position 1965, C replaced by G.
Molecular consequence: intron variant. On other transcripts: missense variant (1).
Genome position (GRCh38, 1-based): chr4:168,878,160, C>G. VCF-style: chr4-168878160-C-G. GRCh37 (hg19) VCF-style: chr4-169799311-C-G.
Other names: c.269C>G (NM_001166110.1); c.269C>G, p.Pro90Arg (NM_001166110.2); c.1965-12762C>G (NM_016081.4); c.819-12762C>G (NM_001166109.2); c.-157-12762C>G (NM_001367570.1, NM_001367568.1, NM_001367567.1 and 1 more transcripts); short protein forms P90R.
Identifiers: ClinVar variation 2178635 (VCV002178635.5), dbSNP rs1490106949, ClinGen allele CA358795911.
Genomic context (GRCh38, chr4:168,878,160, plus strand): 5'-CGCAGCCCTTCGGCGCTGAGCCCGAGGCCCCGTGGGGCTCCTCCTCGCCGTCGCCCCCGC[C>G]CCCGCCACCCCCGGTCTTCAGCCCCACGGCTGCCTTCCCGGTGCCCGACGTGTTCCCACT-3'

ClinVar aggregate classification (germline): Uncertain significance. Review status: criteria provided, multiple submitters, no conflicts (2 of 4 stars). 2 submissions from 2 submitters: Uncertain significance (2). Last evaluated 2025-01-24.

Conditions:
Pancreatic adenocarcinoma. Identifiers: MedGen C0281361, MONDO:0006047, HP:0006725.

Submissions (2):

Ambry Genetics
Classification: Uncertain significance. Last evaluated: 2025-01-24. Review status: criteria provided, single submitter. Criteria: Ambry Variant Classification Scheme 2023. Collection method: clinical testing. Allele origin: germline.
Comment: The p.P90R variant (also known as c.269C>G), located in coding exon 1 of the PALLD gene, results from a C to G substitution at nucleotide position 269. The proline at codon 90 is replaced by arginine, an amino acid with dissimilar properties. This amino acid position is conserved. In addition, the in silico prediction for this alteration is inconclusive. Based on the available evidence, the clinical significance of this variant remains unclear.

Labcorp Genetics (formerly Invitae), Labcorp
Classification: Uncertain significance for Pancreatic adenocarcinoma. Last evaluated: 2024-02-26. Review status: criteria provided, single submitter. Criteria: Invitae Variant Classification Sherloc (09022015). Collection method: clinical testing. Allele origin: germline.
Comment: This sequence change replaces proline, which is neutral and non-polar, with arginine, which is basic and polar, at codon 90 of the PALLD protein (p.Pro90Arg). This variant is not present in population databases (gnomAD no frequency). This variant has not been reported in the literature in individuals affected with PALLD-related conditions. ClinVar contains an entry for this variant (Variation ID: 2178635). An algorithm developed to predict the effect of missense changes on protein structure and function (PolyPhen-2) suggests that this variant is likely to be tolerated. In summary, the available evidence is currently insufficient to determine the role of this variant in disease. Therefore, it has been classified as a Variant of Uncertain Significance.